The following is an entry in ClinVar:

ClinVar aggregate classification (germline): Uncertain significance (1 of 4 stars; one submission).

Allele frequency attached by ClinVar (database versions not stated): 1000 Genomes Project 30x 0.00062; 1000 Genomes Project 0.00080.
gnomAD v4.1: 91 of 1,610,502 alleles (0.0057%); highest among the groups gnomAD compares: East Asian, 0.19%; no homozygotes.

Submission:

Ambry Genetics
Classification: Uncertain significance. Last evaluated: 2023-02-12. Review status: criteria provided, single submitter. Criteria: Ambry Variant Classification Scheme 2023. Collection method: clinical testing. Allele origin: germline.
Comment: The p.V2440I variant (also known as c.7318G>A), located in coding exon 27 of the POLQ gene, results from a G to A substitution at nucleotide position 7318. The valine at codon 2440 is replaced by isoleucine, an amino acid with highly similar properties. This amino acid position is conserved. In addition, the in silico prediction for this alteration is inconclusive. Since supporting evidence is limited at this time, the clinical significance of this alteration remains unclear.

NM_199420.4(POLQ):c.7318G>A (p.Val2440Ile)

Gene: POLQ (DNA polymerase theta; minus strand). Cytogenetic location: 3q13.33.
Variant type: single nucleotide variant.
Coding change: c.7318G>A on transcript NM_199420.4 (MANE Select); coding-DNA position 7318, G replaced by A.
Protein change: p.Val2440Ile; replaces valine 2440 with isoleucine.
Molecular consequence: missense variant.
Genome position (GRCh38, 1-based): chr3:121,440,063, C>T on the plus strand (G>A on the coding strand, the complement: POLQ is on the minus strand). VCF-style: chr3-121440063-C-T. GRCh37 (hg19) VCF-style: chr3-121158910-C-T.
Other names: short protein forms V2440I.
Identifiers: ClinVar variation 2448821 (VCV002448821.2), dbSNP rs138273543, ClinGen allele CA2562205.